The following is an entry in ClinVar:

NM_001135649.3(FOXI3):c.256G>A (p.Gly86Arg)

Gene: FOXI3 (forkhead box I3; minus strand). Cytogenetic location: 2p11.2.
Variant type: single nucleotide variant.
Coding change: c.256G>A on transcript NM_001135649.3 (MANE Select); coding-DNA position 256, G replaced by A.
Protein change: p.Gly86Arg; replaces glycine 86 with arginine.
Molecular consequence: missense variant.
Genome position (GRCh38, 1-based): chr2:88,452,280, C>T on the plus strand (G>A on the coding strand, the complement: FOXI3 is on the minus strand). VCF-style: chr2-88452280-C-T. GRCh37 (hg19) VCF-style: chr2-88751798-C-T.
Other names: short protein forms G86R.
Identifiers: ClinVar variation 1384243 (VCV001384243.6), dbSNP rs1469015290, ClinGen allele CA347766739.

ClinVar aggregate classification (germline): Uncertain significance (1 of 4 stars; one submission).

Allele frequency attached by ClinVar (database versions not stated): gnomAD 0.00003; gnomAD exomes 0.00007; 1000 Genomes Project 30x 0.00016.
gnomAD v4.1: 65 of 982,836 alleles (0.0066%); highest among the groups gnomAD compares: South Asian, 0.13%; no homozygotes.

Submission:

Labcorp Genetics (formerly Invitae), Labcorp
Classification: Uncertain significance. Last evaluated: 2025-12-23. Review status: criteria provided, single submitter. Criteria: Invitae Variant Classification Sherloc (09022015). Collection method: clinical testing. Allele origin: germline.
Comment: This sequence change replaces glycine, which is neutral and non-polar, with arginine, which is basic and polar, at codon 86 of the FOXI3 protein (p.Gly86Arg). The frequency data for this variant in the population databases is considered unreliable, as metrics indicate insufficient coverage at this position in the gnomAD database. This variant has not been reported in the literature in individuals affected with FOXI3-related conditions. ClinVar contains an entry for this variant (Variation ID: 1384243). Experimental studies and prediction algorithms are not available or were not evaluated, and the functional significance of this variant is currently unknown. In summary, the available evidence is currently insufficient to determine the role of this variant in disease. Therefore, it has been classified as a Variant of Uncertain Significance.